The following is an entry in ClinVar:

NM_138459.5(NUS1):c.22_45del (p.Val8_Leu15del)

Gene: NUS1 (NUS1 dehydrodolichyl diphosphate synthase subunit; plus strand). Cytogenetic location: 6q22.1.
Variant type: Deletion.
Coding change: c.22_45del on transcript NM_138459.5 (MANE Select); coding-DNA positions 22 to 45, 24 bases deleted (GTGTGGCGGGTGCTGCACGCGCTG).
Protein change: p.Val8_Leu15del.
Molecular consequence: inframe deletion.
Genome position (GRCh38, 1-based): chr6:117,675,692-117,675,715, GTGTGGCGGGTGCTGCACGCGCTG deleted; deleting any 24 consecutive bases within chr6:117,675,688-117,675,715 gives the same sequence; the c. name uses the placement nearest the transcript's 3' end. VCF-style (leftmost placement, unchanged base first): chr6-117675687-AGCTGGTGTGGCGGGTGCTGCACGC-A. GRCh37 (hg19) VCF-style: chr6-117996850-AGCTGGTGTGGCGGGTGCTGCACGC-A.
Identifiers: ClinVar variation 1308590 (VCV001308590.2), dbSNP rs2114674294, ClinGen allele CA2573052570.

ClinVar aggregate classification (germline): Uncertain significance (1 of 4 stars; one submission).

Submission:

GeneDx
Classification: Uncertain significance. Last evaluated: 2019-04-10. Review status: criteria provided, single submitter. Criteria: GeneDx Variant Classification Process June 2021. Collection method: clinical testing. Allele origin: germline. Affected: yes.
Comment: Not observed in large population cohorts (Lek et al., 2016); In-frame deletion of 8 amino acids in a non-repeat region; In silico analysis, which includes protein predictors and evolutionary conservation, supports a deleterious effect; Has not been previously published as pathogenic or benign to our knowledge